The following is an entry in ClinVar:

ClinVar aggregate classification (germline): Likely benign (0 of 4 stars; one submission).

Conditions:
CHRNA1-related disorder. Also called: CHRNA1-related condition.

Allele frequency attached by ClinVar (database versions not stated): TOPMed below 0.00001.
gnomAD v4.1: 13 of 1,614,232 alleles (0.00081%); highest among the groups gnomAD compares: Non-Finnish European, 0.001%; no homozygotes.

Submission:

PreventionGenetics, part of Exact Sciences
Classification: Likely benign for CHRNA1-related condition. Last evaluated: 2022-03-22. Review status: no assertion criteria provided. Collection method: clinical testing. Allele origin: germline.
Comment: This variant is classified as likely benign based on ACMG/AMP sequence variant interpretation guidelines (Richards et al. 2015 PMID: 25741868, with internal and published modifications).

NM_000079.4(CHRNA1):c.456C>T (p.Val152=)

Gene: CHRNA1 (cholinergic receptor nicotinic alpha 1 subunit; minus strand). Cytogenetic location: 2q31.1.
Variant type: single nucleotide variant.
Coding change: c.456C>T on transcript NM_000079.4 (MANE Select); coding-DNA position 456, C replaced by T.
Protein change: p.Val152=; no amino-acid change (valine 152 retained).
Molecular consequence: synonymous variant.
Genome position (GRCh38, 1-based): chr2:174,754,303, G>A on the plus strand (C>T on the coding strand, the complement: CHRNA1 is on the minus strand). VCF-style: chr2-174754303-G-A. GRCh37 (hg19) VCF-style: chr2-175619031-G-A.
Other names: c.531C>T, p.Val177= (NM_001039523.3).
Identifiers: ClinVar variation 3030395 (VCV003030395.2), dbSNP rs759020321, ClinGen allele CA430023112.